The following is an entry in ClinVar:

ClinVar aggregate classification (germline): Likely benign (1 of 4 stars; one submission).

Allele frequency attached by ClinVar (database versions not stated): gnomAD exomes below 0.00001 and 0.00001; gnomAD 0.00001; TOPMed 0.00001; ExAC 0.00002.
gnomAD v4.1: 10 of 1,613,110 alleles (0.00062%); highest among the groups gnomAD compares: Non-Finnish European, 0.00059%; no homozygotes.

Submission:

GeneDx
Classification: Likely benign. Last evaluated: 2018-04-19. Review status: criteria provided, single submitter. Criteria: GeneDx Variant Classification (06012015). Collection method: clinical testing. Allele origin: germline. Affected: yes.
Comment: This variant is considered likely benign or benign based on one or more of the following criteria: it is a conservative change, it occurs at a poorly conserved position in the protein, it is predicted to be benign by multiple in silico algorithms, and/or has population frequency not consistent with disease.

NM_007208.4(MRPL3):c.981A>G (p.Glu327=)

Gene: MRPL3 (mitochondrial ribosomal protein L3; minus strand). Cytogenetic location: 3q22.1.
Variant type: single nucleotide variant.
Coding change: c.981A>G on transcript NM_007208.4 (MANE Select); coding-DNA position 981, A replaced by G.
Protein change: p.Glu327=; no amino-acid change (glutamic acid 327 retained).
Molecular consequence: synonymous variant.
Genome position (GRCh38, 1-based): chr3:131,462,789, T>C on the plus strand (A>G on the coding strand, the complement: MRPL3 is on the minus strand). VCF-style: chr3-131462789-T-C. GRCh37 (hg19) VCF-style: chr3-131181633-T-C.
Identifiers: ClinVar variation 681599 (VCV000681599.1), dbSNP rs780672468, ClinGen allele CA2616851.
Genomic context (GRCh38, chr3:131,462,789, plus strand): 5'-AAATGTAATAGAAGGCGCACCGGGCTGACACACGTTTTCATCATACAAATCTTCTGGCAG[T>C]TCCTCTTCATCTCCATCAGGAAAATATGTAGGGAATGGTAGATTTTTACCGAGATCCTTA-3'
Protein context (NP_009139.1, residues 317-337): PTYFPDGDEE[Glu327=]LPEDLYDENV